The following is an entry in ClinVar:

ClinVar aggregate classification (germline): Pathogenic. Review status: criteria provided, multiple submitters, no conflicts (2 of 4 stars). 4 submissions from 4 submitters: Pathogenic (4). Last evaluated 2025-11-03.

Conditions:
Hereditary cancer-predisposing syndrome. Also called: Neoplastic Syndromes, Hereditary; Hereditary Cancer Syndrome; Hereditary neoplastic syndrome; Tumor predisposition. Identifiers: Orphanet 140162, MedGen C0027672, MeSH D009386, MONDO:0015356.
Familial cancer of breast. Also called: Hereditary breast cancer; hereditary breast carcinoma; BREAST CANCER, FAMILIAL. Identifiers: Orphanet 227535, MedGen C0346153, MONDO:0016419, OMIM 114480. Disease mechanism: loss of function.
Ataxia-telangiectasia syndrome (AT). Also called: Cerebello-oculocutaneous telangiectasia; Immunodeficiency with ataxia telangiectasia; Ataxia-telangiectasia, complementation group D; AT, COMPLEMENTATION GROUP C; ATAXIA-TELANGIECTASIA, FRESNO VARIANT; ATAXIA-TELANGIECTASIA, COMPLEMENTATION GROUP A. Identifiers: Orphanet 100, MedGen C0004135, MONDO:0008840, OMIM 208900.

Submissions (4):

Labcorp Genetics (formerly Invitae), Labcorp
Classification: Pathogenic for Ataxia-telangiectasia syndrome. Last evaluated: 2025-11-03. Review status: criteria provided, single submitter. Criteria: Invitae Variant Classification Sherloc (09022015). Collection method: clinical testing. Allele origin: germline.
Comment: This sequence change creates a premature translational stop signal (p.Phe239Leufs*15) in the ATM gene. It is expected to result in an absent or disrupted protein product. Loss-of-function variants in ATM are known to be pathogenic (PMID: 23807571, 25614872). This variant is not present in population databases (gnomAD no frequency). This premature translational stop signal has been observed in individual(s) with ataxia-telangiectasia (PMID: 16941484, 17124347, 19691550, 22213089, 23454770). This variant is also known as 717delCCTC. ClinVar contains an entry for this variant (Variation ID: 142709). For these reasons, this variant has been classified as Pathogenic.

Myriad Genetics, Inc.
Classification: Pathogenic for Familial cancer of breast. Last evaluated: 2024-01-10. Review status: criteria provided, single submitter. Criteria: Myriad Autosomal Dominant, Autosomal Recessive and X-Linked Classification Criteria (2023). Collection method: clinical testing. Allele origin: unknown.
Comment: This variant is considered pathogenic. This variant creates a frameshift predicted to result in premature protein truncation.

Ambry Genetics
Classification: Pathogenic for Hereditary cancer-predisposing syndrome. Last evaluated: 2023-02-28. Review status: criteria provided, single submitter. Criteria: Ambry Variant Classification Scheme 2023. Collection method: clinical testing. Allele origin: germline.
Comment: The c.717_720delCCTC pathogenic mutation, located in coding exon 6 of the ATM gene, results from a deletion of 4 nucleotides at nucleotide positions 717 to 720, causing a translational frameshift with a predicted alternate stop codon (p.F239Lfs*15). This alteration has been reported in numerous individuals with ataxia-telangiectasia (Cavalieri S et al. Hum. Mutat. 2006 Oct;27:1061; Magliozzi M et al. Dis. Markers 2006;22:257-64; Verhagen MM et al. Neurology 2009 Aug;73:430-7). Haplotype analyses have suggested a possible Sicilian founder effect (Chessa L et al. Ann. Hum. Genet. 2009 Sep;73:532-9). In addition to the clinical data presented in the literature, this alteration is expected to result in loss of function by premature protein truncation or nonsense-mediated mRNA decay. As such, this alteration is interpreted as a disease-causing mutation.

GeneDx
Classification: Pathogenic. Last evaluated: 2018-08-13. Review status: criteria provided, single submitter. Criteria: GeneDx Variant Classification (06012015). Collection method: clinical testing. Allele origin: germline. Affected: yes.
Comment: This deletion of 4 nucleotides in ATM is denoted c.717_720delCCTC at the cDNA level and p.Phe239LeufsX15 (F239LfsX15) at the protein level. The normal sequence, with the bases that are deleted in braces, is TCTT[CCTC]AAGA. The deletion causes a frameshift which changes a Phenylalanine to a Leucine at codon 239, and creates a premature stop codon at position 15 of the new reading frame. This variant is predicted to cause loss of normal protein function through either protein truncation or nonsense-mediated mRNA decay. ATM c.717_720delCCTC has been observed in both the compound heterozygous and homozygous states in individuals with Ataxia-telangiectasia (Cavalieri 2006, Magliozzi 2006, Verhagen 2009). We consider this variant to be pathogenic.

Literature cited by the submitters: PubMed 23807571 (cited by Labcorp Genetics (formerly Invitae), Labcorp); PubMed 25614872 (cited by Labcorp Genetics (formerly Invitae), Labcorp); PubMed 16941484 (cited by Labcorp Genetics (formerly Invitae), Labcorp and Ambry Genetics); PubMed 17124347 (cited by Labcorp Genetics (formerly Invitae), Labcorp and Ambry Genetics); PubMed 19691550 (cited by Labcorp Genetics (formerly Invitae), Labcorp and Ambry Genetics); PubMed 22213089 (cited by Labcorp Genetics (formerly Invitae), Labcorp); PubMed 23454770 (cited by Labcorp Genetics (formerly Invitae), Labcorp); PubMed 19535770 (cited by Ambry Genetics).

NM_000051.4(ATM):c.717_720del (p.Phe239fs)

Gene: ATM (ATM serine/threonine kinase; plus strand). Cytogenetic location: 11q22.3.
Variant type: Deletion.
Coding change: c.717_720del on transcript NM_000051.4 (MANE Select); coding-DNA positions 717 to 720, 4 bases deleted (CCTC; older notation c.717_720delCCTC).
Protein change: p.Phe239fs; shifts the reading frame from phenylalanine 239.
Molecular consequence: frameshift variant.
Genome position (GRCh38, 1-based): chr11:108,244,842-108,244,845, CCTC deleted. VCF-style (leftmost placement, unchanged base first): chr11-108244841-TCCTC-T. GRCh37 (hg19) VCF-style: chr11-108115568-TCCTC-T.
Other names: c.717_720delCCTC (NM_000051.3); c.717_720del, p.Phe239fs (NM_001351834.2); short protein forms F239fs.
Identifiers: ClinVar variation 142709 (VCV000142709.17), dbSNP rs587782660, ClinGen allele CA169212.